The following is an entry in ClinVar:

ClinVar aggregate classification (germline): Uncertain significance (1 of 4 stars; one submission).

Submission:

GeneDx
Classification: Uncertain significance. Last evaluated: 2025-03-12. Review status: criteria provided, single submitter. Criteria: GeneDx Variant Classification Process June 2021. Collection method: clinical testing. Allele origin: germline. Affected: yes.
Comment: Not observed at significant frequency in large population cohorts (gnomAD); In silico analysis supports that this missense variant has a deleterious effect on protein structure/function; Has not been previously published as pathogenic or benign to our knowledge

NM_005465.7(AKT3):c.1187C>A (p.Ala396Glu)

Gene: AKT3 (AKT serine/threonine kinase 3; minus strand). Cytogenetic location: 1q44.
Variant type: single nucleotide variant.
Coding change: c.1187C>A on transcript NM_005465.7 (MANE Select); coding-DNA position 1187, C replaced by A.
Protein change: p.Ala396Glu; replaces alanine 396 with glutamic acid.
Molecular consequence: missense variant.
Genome position (GRCh38, 1-based): chr1:243,545,574, G>T on the plus strand (C>A on the coding strand, the complement: AKT3 is on the minus strand). VCF-style: chr1-243545574-G-T. GRCh37 (hg19) VCF-style: chr1-243708876-G-T.
Other names: c.1187C>A, p.Ala396Glu (NM_001206729.2, NM_001370074.1, NM_181690.2); short protein forms A396E.
Identifiers: ClinVar variation 4086635 (VCV004086635.1).